The following is an entry in ClinVar:

NM_181882.3(PRX):c.3190C>T (p.Pro1064Ser)

Gene: PRX (periaxin; minus strand). Cytogenetic location: 19q13.2.
Variant type: single nucleotide variant.
Coding change: c.3190C>T on transcript NM_181882.3 (MANE Select); coding-DNA position 3190, C replaced by T.
Protein change: p.Pro1064Ser; replaces proline 1064 with serine.
Molecular consequence: missense variant. On other transcripts: 3 prime UTR variant (1).
Genome position (GRCh38, 1-based): chr19:40,395,162, G>A on the plus strand (C>T on the coding strand, the complement: PRX is on the minus strand). VCF-style: chr19-40395162-G-A. GRCh37 (hg19) VCF-style: chr19-40901069-G-A.
Other names: c.*3395C>T (NM_020956.2); short protein forms P1064S.
Identifiers: ClinVar variation 476963 (VCV000476963.9), dbSNP rs937051533, ClinGen allele CA405894758.

ClinVar aggregate classification (germline): Uncertain significance. Review status: criteria provided, multiple submitters, no conflicts (2 of 4 stars). 4 submissions from 4 submitters: Uncertain significance (4). Last evaluated 2025-10-27.

Conditions:
PRX-related disorder. Also called: PRX-related condition; PRX-Related Disorders.
Charcot-Marie-Tooth disease. Also called: Charcot-Marie-Tooth Neuropathy; Charcot-Marie-Tooth Hereditary Neuropathy. Identifiers: Orphanet 166, MedGen C0007959, MONDO:0015626.
Charcot-Marie-Tooth disease type 4. Also called: Charcot-Marie-Tooth disease, type IV; Charcot-Marie-Tooth, Type 4. Identifiers: Orphanet 64749, MedGen C4082197, MONDO:0018995.

Allele frequency attached by ClinVar (database versions not stated): TOPMed 0.00001.
gnomAD v4.1: 35 of 1,614,134 alleles (0.0022%); highest among the groups gnomAD compares: Non-Finnish European, 0.0027%; no homozygotes.

Submissions (4):

PreventionGenetics, part of Exact Sciences
Classification: Uncertain significance for PRX-related condition. Last evaluated: 2025-10-27. Review status: criteria provided, single submitter. Criteria: ACMG Guidelines, 2015. Collection method: clinical testing. Allele origin: germline.
Comment: The PRX c.3190C>T variant is predicted to result in the amino acid substitution p.Pro1064Ser. This variant was reported in an individual with suspected Charcot-Marie-Tooth disease, although no additional evidence was provided that could help establish pathogenicity (Supplementary Table 2, Volodarsky et al. 2021. PubMed ID: 32376792). This variant has not been reported in a large population database (gnomAD), indicating this variant is rare. At this time, the clinical significance of this variant is uncertain due to the absence of conclusive functional and genetic evidence.

Labcorp Genetics (formerly Invitae), Labcorp
Classification: Uncertain significance for Charcot-Marie-Tooth disease type 4. Last evaluated: 2022-07-05. Review status: criteria provided, single submitter. Criteria: Invitae Variant Classification Sherloc (09022015). Collection method: clinical testing. Allele origin: germline.
Comment: This sequence change replaces proline, which is neutral and non-polar, with serine, which is neutral and polar, at codon 1064 of the PRX protein (p.Pro1064Ser). This variant is not present in population databases (gnomAD no frequency). This missense change has been observed in individual(s) with clinical features of Charcot-Marie-Tooth disease (PMID: 32376792). ClinVar contains an entry for this variant (Variation ID: 476963). Algorithms developed to predict the effect of missense changes on protein structure and function are either unavailable or do not agree on the potential impact of this missense change (SIFT: "Deleterious"; PolyPhen-2: "Possibly Damaging"; Align-GVGD: "Class C0"). In summary, the available evidence is currently insufficient to determine the role of this variant in disease. Therefore, it has been classified as a Variant of Uncertain Significance.

Athena Diagnostics
Classification: Uncertain significance. Last evaluated: 2019-11-21. Review status: criteria provided, single submitter. Criteria: Athena Diagnostics Criteria. Collection method: clinical testing. Allele origin: unknown.

Molecular Genetics Laboratory, London Health Sciences Centre
Classification: Uncertain significance for Charcot-Marie-Tooth disease. Review status: criteria provided, single submitter. Criteria: ACMG Guidelines, 2015. Collection method: clinical testing. Allele origin: germline. Affected: yes.

Literature cited by the submitters: PubMed 32376792 (cited by Labcorp Genetics (formerly Invitae), Labcorp).